The following is an entry in ClinVar:

ClinVar aggregate classification (germline): Uncertain significance (1 of 4 stars; one submission).

gnomAD v4.1: 6 of 1,614,144 alleles (0.00037%); highest among the groups gnomAD compares: African/African-American, 0.0013%; no homozygotes.

Submission:

Labcorp Genetics (formerly Invitae), Labcorp
Classification: Uncertain significance. Last evaluated: 2022-02-11. Review status: criteria provided, single submitter. Criteria: Invitae Variant Classification Sherloc (09022015). Collection method: clinical testing. Allele origin: germline.
Comment: In summary, the available evidence is currently insufficient to determine the role of this variant in disease. Therefore, it has been classified as a Variant of Uncertain Significance. Advanced modeling of protein sequence and biophysical properties (such as structural, functional, and spatial information, amino acid conservation, physicochemical variation, residue mobility, and thermodynamic stability) performed at Invitae indicates that this missense variant is not expected to disrupt ABCA4 protein function. This variant has not been reported in the literature in individuals affected with ABCA4-related conditions. This variant is present in population databases (no rsID available, gnomAD 0.0009%). This sequence change replaces aspartic acid, which is acidic and polar, with histidine, which is basic and polar, at codon 498 of the ABCA4 protein (p.Asp498His).

NM_000350.3(ABCA4):c.1492G>C (p.Asp498His)

Gene: ABCA4 (ATP binding cassette subfamily A member 4; minus strand). Cytogenetic location: 1p22.1.
Variant type: single nucleotide variant.
Coding change: c.1492G>C on transcript NM_000350.3 (MANE Select); coding-DNA position 1492, G replaced by C.
Protein change: p.Asp498His; replaces aspartic acid 498 with histidine.
Molecular consequence: missense variant.
Genome position (GRCh38, 1-based): chr1:94,077,752, C>G on the plus strand (G>C on the coding strand, the complement: ABCA4 is on the minus strand). VCF-style: chr1-94077752-C-G. GRCh37 (hg19) VCF-style: chr1-94543308-C-G.
Other names: c.1492G>C, p.Asp498His (NM_001425324.1); short protein forms D498H.
Identifiers: ClinVar variation 2096796 (VCV002096796.4), dbSNP rs750836609, ClinGen allele CA341281919.